The following is an entry in ClinVar:

NM_000426.4(LAMA2):c.7374del (p.Phe2458fs)

Gene: LAMA2 (laminin subunit alpha 2; plus strand). Cytogenetic location: 6q22.33.
Variant type: Deletion.
Coding change: c.7374del on transcript NM_000426.4 (MANE Select); coding-DNA position 7374, one base deleted (T; older notation c.7374delT).
Protein change: p.Phe2458fs; shifts the reading frame from phenylalanine 2458.
Molecular consequence: frameshift variant.
Genome position (GRCh38, 1-based): chr6:129,473,287, T deleted; the last of 3 consecutive T bases (chr6:129,473,285-129,473,287); deleting any one gives the same sequence. VCF-style (leftmost placement, unchanged base first): chr6-129473284-CT-C. GRCh37 (hg19) VCF-style: chr6-129794429-CT-C.
Other names: c.7374del, p.Phe2458fs (NM_001079823.2); short protein forms F2458fs.
Identifiers: ClinVar variation 1724076 (VCV001724076.4), dbSNP rs780496890, ClinGen allele CA3994529.

ClinVar aggregate classification (germline): Likely pathogenic. Review status: criteria provided, multiple submitters, no conflicts (2 of 4 stars). 2 submissions from 2 submitters: Likely pathogenic (2). Last evaluated 2023-07-24.

Conditions:
LAMA2-related muscular dystrophy (LAMA2-RD). Also called: Laminin alpha 2-related dystrophy. Identifiers: MedGen C5679788, MONDO:0100228.
Merosin deficient congenital muscular dystrophy (MDC1A). Also called: Congenital Muscular Dystrophy Type 1A (MDC1A); Congenital merosin-deficient muscular dystrophy 1A. Identifiers: Orphanet 258, MedGen C1263858, MONDO:0011925, OMIM 607855.

Submissions (2):

Baylor Genetics
Classification: Likely pathogenic for Merosin deficient congenital muscular dystrophy. Last evaluated: 2023-07-24. Review status: criteria provided, single submitter. Criteria: ACMG Guidelines, 2015. Collection method: clinical testing. Allele origin: unknown.

Myriad Genetics, Inc.
Classification: Likely pathogenic for LAMA2-related muscular dystrophy. Last evaluated: 2021-11-05. Review status: criteria provided, single submitter. Criteria: Myriad Autosomal Dominant, Autosomal Recessive and X-Linked Classification Criteria (2023). Collection method: clinical testing. Allele origin: unknown.
Comment: NM_000426.3(LAMA2):c.7374delT(F2458Lfs*5) is expected to be pathogenic in the context of muscular dystrophy, LAMA2-related. This variant is predicted to lead to an abnormal or absent protein product due to the creation of a premature termination codon in LAMA2, a gene where loss-of-function variants are known to be pathogenic. Please note: this variant was assessed in the context of healthy population screening.